The following is an entry in ClinVar:

ClinVar aggregate classification (germline): Conflicting classifications of pathogenicity. Review status: criteria provided, conflicting classifications (1 of 4 stars). 3 submissions from 3 submitters: Uncertain significance (2); Likely benign (1). Last evaluated 2024-01-14.

Conditions:
Fanconi anemia complementation group P. Also called: SLX4-Related Fanconi Anemia. Identifiers: Orphanet 84, MedGen C3469542, MONDO:0013499, OMIM 613951.
Fanconi anemia (FA). Also called: Fanconi's anemia. Identifiers: Orphanet 84, MedGen C0015625, MeSH D005199, MONDO:0019391.
Inborn genetic diseases. Identifiers: MedGen C0950123, MeSH D030342.

Allele frequency attached by ClinVar (database versions not stated): gnomAD exomes below 0.00001 and 0.00001; ExAC 0.00001; gnomAD 0.00001 and 0.00002; 1000 Genomes Project 0.00020; 1000 Genomes Project 30x 0.00031; TOPMed 0.00002.
gnomAD v4.1: 13 of 1,614,158 alleles (0.00081%); highest among the groups gnomAD compares: Admixed American, 0.005%; no homozygotes.

Submissions (3):

Labcorp Genetics (formerly Invitae), Labcorp
Classification: Uncertain significance for Fanconi anemia. Last evaluated: 2024-01-14. Review status: criteria provided, single submitter. Criteria: Invitae Variant Classification Sherloc (09022015). Collection method: clinical testing. Allele origin: germline.
Comment: This sequence change replaces glycine, which is neutral and non-polar, with serine, which is neutral and polar, at codon 83 of the SLX4 protein (p.Gly83Ser). This variant is present in population databases (rs200319106, gnomAD 0.004%). This variant has not been reported in the literature in individuals affected with SLX4-related conditions. ClinVar contains an entry for this variant (Variation ID: 568088). Algorithms developed to predict the effect of missense changes on protein structure and function output the following: SIFT: "Not Available"; PolyPhen-2: "Benign"; Align-GVGD: "Not Available". The serine amino acid residue is found in multiple mammalian species, which suggests that this missense change does not adversely affect protein function. In summary, the available evidence is currently insufficient to determine the role of this variant in disease. Therefore, it has been classified as a Variant of Uncertain Significance.

Fulgent Genetics
Classification: Uncertain significance for Fanconi anemia complementation group P. Last evaluated: 2022-04-06. Review status: criteria provided, single submitter. Criteria: ACMG Guidelines, 2015. Collection method: clinical testing. Allele origin: unknown.

Ambry Genetics
Classification: Likely benign for Inborn genetic diseases. Last evaluated: 2021-11-09. Review status: criteria provided, single submitter. Criteria: Ambry Variant Classification Scheme 2023. Collection method: clinical testing. Allele origin: germline.

NM_032444.4(SLX4):c.247G>A (p.Gly83Ser)

Gene: SLX4 (SLX4 structure-specific endonuclease subunit; minus strand). Cytogenetic location: 16p13.3.
Variant type: single nucleotide variant.
Coding change: c.247G>A on transcript NM_032444.4 (MANE Select); coding-DNA position 247, G replaced by A.
Protein change: p.Gly83Ser; replaces glycine 83 with serine.
Molecular consequence: missense variant.
Genome position (GRCh38, 1-based): chr16:3,608,718, C>T on the plus strand (G>A on the coding strand, the complement: SLX4 is on the minus strand). VCF-style: chr16-3608718-C-T. GRCh37 (hg19) VCF-style: chr16-3658719-C-T.
Other names: c.247G>A (LRG_503t1); short protein forms G83S.
Identifiers: ClinVar variation 568088 (VCV000568088.10), dbSNP rs200319106, ClinGen allele CA7866918.